The following is an entry in ClinVar:

ClinVar aggregate classification (germline): Uncertain significance (1 of 4 stars; one submission).

Conditions:
Cardiomyopathy (CMYO). Also called: Cardiomyopathies. Identifiers: Orphanet 167848, MedGen C0878544, MONDO:0004994, HP:0001638. Inheritance: Various modes of inheritance.

Submission:

Color Diagnostics, LLC DBA Color Health
Classification: Uncertain significance for Cardiomyopathy. Last evaluated: 2024-03-07. Review status: criteria provided, single submitter. Criteria: ACMG Guidelines, 2015. Collection method: clinical testing. Allele origin: germline.
Comment: This missense variant replaces glycine with serine at codon 144 of the MYL3 protein. Computational prediction is inconclusive regarding the impact of this variant on protein structure and function (internally defined REVEL score threshold 0.5 < inconclusive < 0.7, PMID: 27666373). To our knowledge, functional studies have not been reported for this variant. This variant has not been reported in individuals affected with cardiovascular disorders in the literature. This variant has not been identified in the general population by the Genome Aggregation Database (gnomAD). The available evidence is insufficient to determine the role of this variant in disease conclusively. Therefore, this variant is classified as a Variant of Uncertain Significance.

NM_000258.3(MYL3):c.430G>A (p.Gly144Ser)

Gene: MYL3 (myosin light chain 3; minus strand). Cytogenetic location: 3p21.31.
Variant type: single nucleotide variant.
Coding change: c.430G>A on transcript NM_000258.3 (MANE Select); coding-DNA position 430, G replaced by A.
Protein change: p.Gly144Ser; replaces glycine 144 with serine.
Molecular consequence: missense variant.
Genome position (GRCh38, 1-based): chr3:46,859,526, C>T on the plus strand (G>A on the coding strand, the complement: MYL3 is on the minus strand). VCF-style: chr3-46859526-C-T. GRCh37 (hg19) VCF-style: chr3-46901016-C-T.
Other names: c.430G>A, p.Gly144Ser (NM_001406937.1, NM_001406938.1, NM_001406939.1); c.256G>A, p.Gly86Ser (NM_001406940.1, NM_001406941.1); short protein forms G144S, G86S.
Identifiers: ClinVar variation 2773985 (VCV002773985.2), dbSNP rs1575497787, ClinGen allele CA352496021.